The following is an entry in ClinVar:

ClinVar aggregate classification (germline): Conflicting classifications of pathogenicity. Review status: criteria provided, conflicting classifications (1 of 4 stars). 4 submissions from 4 submitters: Uncertain significance (3); Likely benign (1). Last evaluated 2025-11-26.

Conditions:
Inborn genetic diseases. Identifiers: MedGen C0950123, MeSH D030342.

Allele frequency attached by ClinVar (database versions not stated): gnomAD 0.00002; TOPMed 0.00002; ESP Exome Variant Server 0.00008.

Submissions (4):

Ambry Genetics
Classification: Likely benign for Inborn genetic diseases. Last evaluated: 2025-11-26. Review status: criteria provided, single submitter. Criteria: Ambry Variant Classification Scheme 2023. Collection method: clinical testing. Allele origin: germline.

Labcorp Genetics (formerly Invitae), Labcorp
Classification: Uncertain significance. Last evaluated: 2025-11-04. Review status: criteria provided, single submitter. Criteria: Invitae Variant Classification Sherloc (09022015). Collection method: clinical testing. Allele origin: germline.
Comment: This sequence change replaces leucine, which is neutral and non-polar, with proline, which is neutral and non-polar, at codon 645 of the SAMD9L protein (p.Leu645Pro). This variant is present in population databases (rs200412482, gnomAD 0.01%). This variant has not been reported in the literature in individuals affected with SAMD9L-related conditions. ClinVar contains an entry for this variant (Variation ID: 1315757). Invitae Evidence Modeling of protein sequence and biophysical properties (such as structural, functional, and spatial information, amino acid conservation, physicochemical variation, residue mobility, and thermodynamic stability) indicates that this missense variant is not expected to disrupt SAMD9L protein function with a negative predictive value of 80%. In summary, the available evidence is currently insufficient to determine the role of this variant in disease. Therefore, it has been classified as a Variant of Uncertain Significance.

GeneDx
Classification: Uncertain significance. Last evaluated: 2023-09-13. Review status: criteria provided, single submitter. Criteria: GeneDx Variant Classification Process June 2021. Collection method: clinical testing. Allele origin: germline. Affected: yes.
Comment: In silico analysis supports that this missense variant has a deleterious effect on protein structure/function; Has not been previously published as pathogenic or benign to our knowledge

Genetic Services Laboratory, University of Chicago
Classification: Uncertain significance. Last evaluated: 2019-06-24. Review status: criteria provided, single submitter. Criteria: ACMG Guidelines, 2015. Collection method: clinical testing. Allele origin: germline. Affected: no.

NM_152703.5(SAMD9L):c.1934T>C (p.Leu645Pro)

Gene: SAMD9L (sterile alpha motif domain containing 9 like; minus strand). Cytogenetic location: 7q21.2.
Variant type: single nucleotide variant.
Coding change: c.1934T>C on transcript NM_152703.5 (MANE Select); coding-DNA position 1934, T replaced by C.
Protein change: p.Leu645Pro; replaces leucine 645 with proline.
Molecular consequence: missense variant.
Genome position (GRCh38, 1-based): chr7:93,134,038, A>G on the plus strand (T>C on the coding strand, the complement: SAMD9L is on the minus strand). VCF-style: chr7-93134038-A-G. GRCh37 (hg19) VCF-style: chr7-92763351-A-G.
Other names: c.1934T>C (NM_152703.2); c.1934T>C, p.Leu645Pro (NM_001303496.3, NM_001303497.3, NM_001303498.3 and 5 more transcripts); short protein forms L645P.
Identifiers: ClinVar variation 1315757 (VCV001315757.16), dbSNP rs200412482, ClinGen allele CA4343655.